The following is an entry in ClinVar:

ClinVar aggregate classification (germline): Uncertain significance (1 of 4 stars; one submission).

Conditions:
Periventricular nodular heterotopia 9. Identifiers: MedGen C5394503, MONDO:0030061, OMIM 618918.

Allele frequency attached by ClinVar (database versions not stated): TOPMed below 0.00001; ExAC 0.00001; gnomAD 0.00001; gnomAD exomes 0.00001; ESP Exome Variant Server 0.00008.
gnomAD v4.1: 15 of 1,614,132 alleles (0.00093%); highest among the groups gnomAD compares: African/African-American, 0.0027%; no homozygotes.

Submission:

New York Genome Center
Classification: Uncertain significance for Periventricular nodular heterotopia 9. Last evaluated: 2021-02-11. Review status: criteria provided, single submitter. Criteria: NYGC Assertion Criteria 2020. Collection method: clinical testing. Allele origin: inherited. Observed: 1 heterozygote. Study: CSER-NYCKidSeq.
Comment: The inherited c.6935G>A (p.Arg2312His) missense variant in exon 5 of 7 of MAP1B has not been reported in affected individuals in the available literature. This variant is absent in gnomAD v3 and seen at a very low frequency in gnomaAD v2 (2 heterozygotes, allele frequency = 7.96e-6) indicating it is not a common benign variant in the populations represented in these databases. In silico predictors suggest this variant is benign (REVEL; score:0.162) and damaging (SIFT; score:0.008). Giventhe lack of functional studies supporting its pathogenicity, the c.6935G>A (p.Arg2312His) variant identified in the MAP1B gene is reported as a Variant of Uncertain Significance.

NM_005909.5(MAP1B):c.6935G>A (p.Arg2312His)

Gene: MAP1B (microtubule associated protein 1B; plus strand). Cytogenetic location: 5q13.2.
Variant type: single nucleotide variant.
Coding change: c.6935G>A on transcript NM_005909.5 (MANE Select); coding-DNA position 6935, G replaced by A.
Protein change: p.Arg2312His; replaces arginine 2312 with histidine.
Molecular consequence: missense variant.
Genome position (GRCh38, 1-based): chr5:72,200,290, G>A. VCF-style: chr5-72200290-G-A. GRCh37 (hg19) VCF-style: chr5-71496117-G-A.
Other names: c.6557G>A, p.Arg2186His (NM_001324255.2); short protein forms R2186H, R2312H.
Identifiers: ClinVar variation 1341798 (VCV001341798.1), dbSNP rs148824055, ClinGen allele CA3299552.
Genomic context (GRCh38, chr5:72,200,290, plus strand): 5'-AGAAAGAATCTGTGGAAAAGGCAGCAAAACCCACCACCACTCCTGAGGTCAAAGCTGCAC[G>A]TGGGGAAGAGAAAGACAAGGAGACCAAGAATGCTGCCAATGCCTCTGCATCCAAGTCGGC-3'
Protein context (NP_005900.2, residues 2302-2322): PTTTPEVKAA[Arg2312His]GEEKDKETKN